The following is an entry in ClinVar:

ClinVar aggregate classification (germline): Likely benign. Review status: criteria provided, single submitter (1 of 4 stars). 2 submissions from 2 submitters: Likely benign (1). 1 of the submissions does not count toward it. Last evaluated 2022-10-28.

Conditions:
TNC-related disorder. Also called: TNC-related condition.

Allele frequency attached by ClinVar (database versions not stated): gnomAD exomes 0.00003; ExAC 0.00007; gnomAD 0.00055; 1000 Genomes Project 30x 0.00094; 1000 Genomes Project 0.00120; TOPMed 0.00125.
gnomAD v4.1: 157 of 1,612,088 alleles (0.0097%); highest among the groups gnomAD compares: Admixed American, 0.2%; 1 homozygote.

Submissions (2):

Blueprint Genetics
Classification: Likely benign. Last evaluated: 2022-10-28. Review status: criteria provided, single submitter. Criteria: ACMG Guidelines, 2015. Collection method: clinical testing. Allele origin: germline.

PreventionGenetics, part of Exact Sciences
Classification: Likely benign for TNC-related condition. Last evaluated: 2020-08-03. Review status: no assertion criteria provided. Collection method: clinical testing. Allele origin: germline. Not counted in ClinVar's aggregate classification.
Comment: This variant is classified as likely benign based on ACMG/AMP sequence variant interpretation guidelines (Richards et al. 2015 PMID: 25741868, with internal and published modifications).

NM_002160.4(TNC):c.2448C>T (p.Asp816=)

Gene: TNC (tenascin C; minus strand). Cytogenetic location: 9q33.1.
Variant type: single nucleotide variant.
Coding change: c.2448C>T on transcript NM_002160.4 (MANE Select); coding-DNA position 2448, C replaced by T.
Protein change: p.Asp816=; no amino-acid change (aspartic acid 816 retained).
Molecular consequence: synonymous variant.
Genome position (GRCh38, 1-based): chr9:115,078,169, G>A on the plus strand (C>T on the coding strand, the complement: TNC is on the minus strand). VCF-style: chr9-115078169-G-A. GRCh37 (hg19) VCF-style: chr9-117840448-G-A.
Other names: c.2448C>T, p.Asp816= (NM_001410991.1).
Identifiers: ClinVar variation 3042847 (VCV003042847.3), dbSNP rs147612786, ClinGen allele CA5208516.
Genomic context (GRCh38, chr9:115,078,169, plus strand): 5'-GGTCAGCTCAATGCCATCGATCTCAGCCAGGGGCTTGAACCAGGTGATCAAGGCAGTGGT[G>A]TCTGTGACATCTTTCACCTCGATCTGGCTGGGGGCATCCAAGCCTATGATGGGCAGAGGA-3'
Protein context (NP_002151.2, residues 806-826): PSQIEVKDVT[Asp816=]TTALITWFKP